The following is an entry in ClinVar:

ClinVar aggregate classification (germline): Benign. Review status: criteria provided, multiple submitters, no conflicts (2 of 4 stars). 3 submissions from 3 submitters: Benign (2). 1 of the submissions does not count toward it. Last evaluated 2026-01-28.

Conditions:
Carnitine palmitoyl transferase 1A deficiency. Also called: Carnitine palmitoyltransferase type I deficiency; Carnitine palmitoyltransferase 1A deficiency; CPT I DEFICIENCY; CPT DEFICIENCY, HEPATIC, TYPE I; CPT deficiency, hepatic, type IA. Identifiers: Orphanet 156, MedGen C1829703, MONDO:0009705, OMIM 255120.

Allele frequency attached by ClinVar (database versions not stated): gnomAD exomes 0.00057 and 0.00169; ExAC 0.00203; gnomAD 0.00679 and 0.00724; TOPMed 0.00761; ESP Exome Variant Server 0.00770; 1000 Genomes Project 0.00919; 1000 Genomes Project 30x 0.00921.
gnomAD v4.1: 1,932 of 1,614,196 alleles (0.12%); highest among the groups gnomAD compares: African/African-American, 2.2%; 21 homozygotes.

Submissions (3):

Labcorp Genetics (formerly Invitae), Labcorp
Classification: Benign for Carnitine palmitoyl transferase 1A deficiency. Last evaluated: 2026-01-28. Review status: criteria provided, single submitter. Criteria: Invitae Variant Classification Sherloc (09022015). Collection method: clinical testing. Allele origin: germline.

GeneDx
Classification: Benign. Last evaluated: 2017-07-10. Review status: criteria provided, single submitter. Criteria: GeneDx Variant Classification (06012015). Collection method: clinical testing. Allele origin: germline. Affected: yes.
Comment: This variant is considered likely benign or benign based on one or more of the following criteria: it is a conservative change, it occurs at a poorly conserved position in the protein, it is predicted to be benign by multiple in silico algorithms, and/or has population frequency not consistent with disease.

Natera, Inc.
Classification: Benign for Carnitine palmitoyltransferase type I deficiency. Last evaluated: 2020-09-16. Review status: no assertion criteria provided. Collection method: clinical testing. Allele origin: germline. Not counted in ClinVar's aggregate classification.

NM_001876.4(CPT1A):c.1529C>T (p.Pro510Leu)

Gene: CPT1A (carnitine palmitoyltransferase 1A; minus strand). Cytogenetic location: 11q13.3.
Variant type: single nucleotide variant.
Coding change: c.1529C>T on transcript NM_001876.4 (MANE Select); coding-DNA position 1529, C replaced by T.
Protein change: p.Pro510Leu; replaces proline 510 with leucine.
Molecular consequence: missense variant.
Genome position (GRCh38, 1-based): chr11:68,775,362, G>A on the plus strand (C>T on the coding strand, the complement: CPT1A is on the minus strand). VCF-style: chr11-68775362-G-A. GRCh37 (hg19) VCF-style: chr11-68542830-G-A.
Other names: c.1529C>T, p.Pro510Leu (NM_001031847.3); short protein forms P510L.
Identifiers: ClinVar variation 377754 (VCV000377754.14), dbSNP rs61731906, ClinGen allele CA6152285.